The following is an entry in ClinVar:

ClinVar aggregate classification (germline): Uncertain significance/Uncertain risk allele. Review status: criteria provided, multiple submitters, no conflicts (2 of 4 stars). 7 submissions from 7 submitters: Uncertain significance (6); Uncertain risk allele (1). Last evaluated 2026-08-04.

Conditions:
Wolfram syndrome 1 (WFS1). Identifiers: Orphanet 3463, MedGen C4551693, MONDO:0009101, OMIM 222300.
WFS1-related disorder. Identifiers: MedGen CN379391, MONDO:0700293.
Cataract 41 (CTRCT41). Also called: CATARACT 41, CONGENITAL NUCLEAR TYPE. Identifiers: Orphanet 91492, Orphanet 98991, Orphanet 98992, Orphanet 98995, MedGen C3805412, MONDO:0007287, OMIM 116400.
Type 2 diabetes mellitus. Also called: Type II diabetes mellitus. Identifiers: MedGen C0011860, MeSH D003924, MONDO:0005148, OMIM 125853, HP:0005978.
Autosomal dominant nonsyndromic hearing loss 6 (LFSNHL). Also called: DEAFNESS, AUTOSOMAL DOMINANT 6; DEAFNESS, AUTOSOMAL DOMINANT 14; DEAFNESS, AUTOSOMAL DOMINANT 38; Autosomal dominant nonsyndromic deafness 6. Identifiers: Orphanet 90635, MedGen C1833021, MONDO:0010963, OMIM 600965.
Wolfram-like syndrome. Also called: HEARING LOSS, PROGRESSIVE, WITH OPTIC ATROPHY AND/OR IMPAIRED GLUCOSE REGULATION. Identifiers: Orphanet 411590, MedGen C3280358, MONDO:0013673, OMIM 614296.

Allele frequency attached by ClinVar (database versions not stated): gnomAD exomes 0.00001 and 0.00004; TOPMed 0.00003; ExAC 0.00004; gnomAD 0.00011.

Submissions (7):

GeneDx
Classification: Uncertain significance. Last evaluated: 2026-08-04. Review status: criteria provided, single submitter. Criteria: GeneDx Variant Classification Process June 2021. Collection method: clinical testing. Allele origin: germline.
Comment: In silico analysis supports that this missense variant has a deleterious effect on protein structure/function; This variant is associated with the following publications: (PMID: 33879153, 20738327, 18060660, 17603484, 12955714, 39552476, 40694255)

PreventionGenetics, part of Exact Sciences
Classification: Uncertain significance for WFS1-related condition. Last evaluated: 2026-07-21. Review status: criteria provided, single submitter. Criteria: ACMG Guidelines, 2015. Collection method: clinical testing. Allele origin: germline.
Comment: The WFS1 c.1817T>G variant is predicted to result in the amino acid substitution p.Val606Gly. To our knowledge, this variant has not been reported in the literature. This variant is reported in 0.040% of alleles in individuals of East Asian descent in gnomAD, including one homozygote in the gnomAD v4.1.0 database. Although we suspect that this variant may be benign, at this time, the clinical significance of this variant is uncertain due to the absence of conclusive functional and genetic evidence.

Labcorp Genetics (formerly Invitae), Labcorp
Classification: Uncertain significance. Last evaluated: 2026-01-05. Review status: criteria provided, single submitter. Criteria: Invitae Variant Classification Sherloc (09022015). Collection method: clinical testing. Allele origin: germline.
Comment: This sequence change replaces valine, which is neutral and non-polar, with glycine, which is neutral and non-polar, at codon 606 of the WFS1 protein (p.Val606Gly). This variant is present in population databases (rs756252214, gnomAD 0.05%). This variant has not been reported in the literature in individuals affected with WFS1-related conditions. ClinVar contains an entry for this variant (Variation ID: 1004079). Invitae Evidence Modeling of protein sequence and biophysical properties (such as structural, functional, and spatial information, amino acid conservation, physicochemical variation, residue mobility, and thermodynamic stability) has been performed for this missense variant. However, the output from this modeling did not meet the statistical confidence thresholds required to predict the impact of this variant on WFS1 protein function. In summary, the available evidence is currently insufficient to determine the role of this variant in disease. Therefore, it has been classified as a Variant of Uncertain Significance.

Women's Health and Genetics/Laboratory Corporation of America, LabCorp
Classification: Uncertain significance. Last evaluated: 2025-12-09. Review status: criteria provided, single submitter. Criteria: LabCorp Variant Classification Summary - May 2015. Collection method: clinical testing. Allele origin: germline.
Comment: Variant summary: WFS1 c.1817T>G (p.Val606Gly) results in a non-conservative amino acid change in the encoded protein sequence. Algorithms developed to predict the effect of missense changes on protein structure and function are either unavailable or do not agree on the potential impact of this missense change. The variant allele was found at a frequency of 3.6e-05 in 251404 control chromosomes. The available data on variant occurrences in the general population are insufficient to allow any conclusion about variant significance. To our knowledge, no occurrence of c.1817T>G in individuals affected with WFS1-related conditions and no experimental evidence demonstrating its impact on protein function have been reported. ClinVar contains an entry for this variant (Variation ID: 1004079). Based on the evidence outlined above, the variant was classified as uncertain significance.

Blueprint Genetics
Classification: Uncertain significance. Last evaluated: 2024-11-05. Review status: criteria provided, single submitter. Criteria: ACMG Guidelines, 2015. Collection method: clinical testing. Allele origin: germline.

Fulgent Genetics
Classification: Uncertain significance for Cataract 41; Type 2 diabetes mellitus; Wolfram syndrome 1; Autosomal dominant nonsyndromic hearing loss 6; Wolfram-like syndrome. Last evaluated: 2024-05-10. Review status: criteria provided, single submitter. Criteria: ACMG Guidelines, 2015. Collection method: clinical testing. Allele origin: germline.

Clinical Genomics, Uppaluri K&H Personalized Medicine Clinic
Classification: Uncertain risk allele for Wolfram syndrome 1. Review status: criteria provided, single submitter. Criteria: K & H Uppaluri Personalized Medicine Clinic Variant Classification & Assertion Criteria_Updated V.1. Collection method: research. Allele origin: unknown. Inheritance: Autosomal recessive inheritance.
Comment: Potent mutations in WFS1 gene are associated with Wolfram's syndrome, an autosomal recessive condition, which cause diabetes mellitus, diabetes insipidus, deafness and optic atrophy. However no sufficient evidence is found to ascertain the role of this particular variant rs756252214 in Wolfram's syndrome yet.

Literature cited by the submitters: PubMed 20738327 (cited by Clinical Genomics, Uppaluri K&H Personalized Medicine Clinic); PubMed 33879153 (cited by Clinical Genomics, Uppaluri K&H Personalized Medicine Clinic); PubMed 12955714 (cited by Clinical Genomics, Uppaluri K&H Personalized Medicine Clinic); PubMed 18060660 (cited by Clinical Genomics, Uppaluri K&H Personalized Medicine Clinic); PubMed 20301750 (cited by Clinical Genomics, Uppaluri K&H Personalized Medicine Clinic); PubMed 17603484 (cited by Clinical Genomics, Uppaluri K&H Personalized Medicine Clinic).

NM_006005.3(WFS1):c.1817T>G (p.Val606Gly)

Gene: WFS1 (wolframin ER transmembrane glycoprotein; plus strand). Cytogenetic location: 4p16.1.
Variant type: single nucleotide variant.
Coding change: c.1817T>G on transcript NM_006005.3 (MANE Select); coding-DNA position 1817, T replaced by G.
Protein change: p.Val606Gly; replaces valine 606 with glycine.
Molecular consequence: missense variant.
Genome position (GRCh38, 1-based): chr4:6,301,612, T>G. VCF-style: chr4-6301612-T-G. GRCh37 (hg19) VCF-style: chr4-6303339-T-G.
Other names: c.1817T>G, p.Val606Gly (NM_001145853.1); short protein forms V606G.
Identifiers: ClinVar variation 1004079 (VCV001004079.20), dbSNP rs756252214, ClinGen allele CA2839506.